The following is an entry in ClinVar:

ClinVar aggregate classification (germline): Likely benign. Review status: criteria provided, multiple submitters, no conflicts (2 of 4 stars). 3 submissions from 3 submitters: Likely benign (2). 1 of the submissions does not count toward it. Last evaluated 2024-12-04.

Conditions:
LAMA5-related disorder. Also called: LAMA5-Related Disorders; LAMA5-related condition.

Allele frequency attached by ClinVar (database versions not stated): ExAC 0.00013; 1000 Genomes Project 0.00020; gnomAD 0.00025; 1000 Genomes Project 30x 0.00031; TOPMed 0.00031; gnomAD exomes 0.00032; ESP Exome Variant Server 0.00039.
gnomAD v4.1: 500 of 1,597,942 alleles (0.031%); highest among the groups gnomAD compares: Admixed American, 0.072%; 1 homozygote.

Submissions (3):

Labcorp Genetics (formerly Invitae), Labcorp
Classification: Likely benign. Last evaluated: 2024-12-04. Review status: criteria provided, single submitter. Criteria: Invitae Variant Classification Sherloc (09022015). Collection method: clinical testing. Allele origin: germline.

Blueprint Genetics
Classification: Likely benign. Last evaluated: 2024-07-11. Review status: criteria provided, single submitter. Criteria: ACMG Guidelines, 2015. Collection method: clinical testing. Allele origin: germline.

PreventionGenetics, part of Exact Sciences
Classification: Likely benign for LAMA5-related condition. Last evaluated: 2022-12-20. Review status: no assertion criteria provided. Collection method: clinical testing. Allele origin: germline. Not counted in ClinVar's aggregate classification.
Comment: This variant is classified as likely benign based on ACMG/AMP sequence variant interpretation guidelines (Richards et al. 2015 PMID: 25741868, with internal and published modifications).

NM_005560.6(LAMA5):c.9324G>A (p.Thr3108=)

Gene: LAMA5 (laminin subunit alpha 5; minus strand). Cytogenetic location: 20q13.33.
Variant type: single nucleotide variant.
Coding change: c.9324G>A on transcript NM_005560.6 (MANE Select); coding-DNA position 9324, G replaced by A.
Protein change: p.Thr3108=; no amino-acid change (threonine 3108 retained).
Molecular consequence: synonymous variant.
Genome position (GRCh38, 1-based): chr20:62,312,436, C>T on the plus strand (G>A on the coding strand, the complement: LAMA5 is on the minus strand). VCF-style: chr20-62312436-C-T. GRCh37 (hg19) VCF-style: chr20-60887492-C-T.
Identifiers: ClinVar variation 3053898 (VCV003053898.5), dbSNP rs148492275, ClinGen allele CA9940310.